The following is an entry in ClinVar:

ClinVar aggregate classification (germline): Uncertain significance (1 of 4 stars; one submission).

Conditions:
Autosomal recessive limb-girdle muscular dystrophy type 2J (LGMDR10). Also called: MUSCULAR DYSTROPHY, LIMB-GIRDLE, AUTOSOMAL RECESSIVE 10; Limb-girdle muscular dystrophy, type 2J. Identifiers: Orphanet 140922, MedGen C1837342, MONDO:0012127, OMIM 608807.
Dilated cardiomyopathy 1G (CMD1G). Identifiers: Orphanet 154, MedGen C1858763, MONDO:0011400, OMIM 604145.

Submission:

Labcorp Genetics (formerly Invitae), Labcorp
Classification: Uncertain significance for Dilated cardiomyopathy 1G; Autosomal recessive limb-girdle muscular dystrophy type 2J. Last evaluated: 2022-08-23. Review status: criteria provided, single submitter. Criteria: Invitae Variant Classification Sherloc (09022015). Collection method: clinical testing. Allele origin: germline.
Comment: This variant is not present in population databases (gnomAD no frequency). This sequence change falls in intron 49 of the TTN gene. It does not directly change the encoded amino acid sequence of the TTN protein. It affects a nucleotide within the consensus splice site. This variant has not been reported in the literature in individuals affected with TTN-related conditions. In summary, the available evidence is currently insufficient to determine the role of this variant in disease. Therefore, it has been classified as a Variant of Uncertain Significance. This variant is located in the I band of TTN (PMID: 25589632). Variants in this region may be clinically relevant, but have not been definitively shown to cause cardiomyopathy or neuromuscular disease (PMID: 27493940, 32778822). Variants that disrupt the consensus splice site are a relatively common cause of aberrant splicing (PMID: 17576681, 9536098). Algorithms developed to predict the effect of sequence changes on RNA splicing suggest that this variant may create or strengthen a splice site. ClinVar contains an entry for this variant (Variation ID: 1060416).

Literature cited by the submitters: PubMed 25589632; PubMed 27493940; PubMed 32778822; PubMed 17576681; PubMed 9536098.

NM_001267550.2(TTN):c.14371+3A>G

Gene: TTN (titin; minus strand). Cytogenetic location: 2q31.2.
Variant type: single nucleotide variant.
Coding change: c.14371+3A>G on transcript NM_001267550.2 (MANE Select); 3 bases into the intron after coding-DNA position 14371, A replaced by G.
Molecular consequence: intron variant.
Genome position (GRCh38, 1-based): chr2:178,738,079, T>C on the plus strand (A>G on the coding strand, the complement: TTN is on the minus strand). VCF-style: chr2-178738079-T-C. GRCh37 (hg19) VCF-style: chr2-179602806-T-C.
Other names: c.13282+3A>G (NM_003319.4); c.13858+3A>G (NM_133437.4); c.13657+3A>G (NM_133432.3); c.10639+3A>G (NM_133378.4); c.13420+3A>G (NM_001256850.1).
Identifiers: ClinVar variation 1060416 (VCV001060416.9), dbSNP rs2154316576, ClinGen allele CA430294757.